The following is an entry in ClinVar:

NC_000023.11:g.38269735A>C

Gene: RPGR (retinitis pigmentosa GTPase regulator; minus strand). Cytogenetic location: Xp11.4.
Variant type: single nucleotide variant.
Molecular consequence: missense variant (on NM_000328.3). On other transcripts: non-coding transcript variant (6).
Genome position: GRCh38 VCF-style: chrX-38269735-A-C. GRCh37 (hg19) VCF-style: chrX-38128988-A-C.
Other names: c.2339T>G, p.Ile780Ser (NM_000328.3); c.2336T>G, p.Ile779Ser (NM_001367245.1); c.2153T>G, p.Ile718Ser (NM_001367246.1); c.2006T>G, p.Ile669Ser (NM_001367247.1); c.2036T>G, p.Ile679Ser (NM_001367248.1); c.2003T>G, p.Ile668Ser (NM_001367249.1, NM_001367250.1); c.1820T>G, p.Ile607Ser (NM_001367251.1); short protein forms I607S, I780S, I668S, I669S, I679S, I718S, I779S.
Identifiers: ClinVar variation 2760029 (VCV002760029.3), dbSNP rs2519740070, ClinGen allele CA412721653.

ClinVar aggregate classification (germline): Uncertain significance (1 of 4 stars; one submission).

Conditions:
Primary ciliary dyskinesia. Also called: Ciliary dyskinesia. Identifiers: Orphanet 244, MedGen C0008780, MONDO:0016575, HP:0012265.

Submission:

Labcorp Genetics (formerly Invitae), Labcorp
Classification: Uncertain significance for Primary ciliary dyskinesia. Last evaluated: 2025-05-27. Review status: criteria provided, single submitter. Criteria: Invitae Variant Classification Sherloc (09022015). Collection method: clinical testing. Allele origin: germline.
Comment: This sequence change replaces isoleucine, which is neutral and non-polar, with serine, which is neutral and polar, at codon 780 of the RPGR protein (p.Ile780Ser). This variant is not present in population databases (gnomAD no frequency). This variant has not been reported in the literature in individuals affected with RPGR-related conditions. ClinVar contains an entry for this variant (Variation ID: 2760029). Invitae Evidence Modeling of protein sequence and biophysical properties (such as structural, functional, and spatial information, amino acid conservation, physicochemical variation, residue mobility, and thermodynamic stability) indicates that this missense variant is not expected to disrupt RPGR protein function with a negative predictive value of 95%. In summary, the available evidence is currently insufficient to determine the role of this variant in disease. Therefore, it has been classified as a Variant of Uncertain Significance.